The following is an entry in ClinVar:

ClinVar aggregate classification (germline): Uncertain significance (1 of 4 stars; one submission).

Submission:

Ambry Genetics
Classification: Uncertain significance. Last evaluated: 2023-10-09. Review status: criteria provided, single submitter. Criteria: Ambry Variant Classification Scheme 2023. Collection method: clinical testing. Allele origin: germline.
Comment: The p.K263M variant (also known as c.788A>T), located in coding exon 1 of the MLH3 gene, results from an A to T substitution at nucleotide position 788. The lysine at codon 263 is replaced by methionine, an amino acid with similar properties. This amino acid position is conserved. In addition, the in silico prediction for this alteration is inconclusive. Since supporting evidence is limited at this time, the clinical significance of this alteration remains unclear.

NM_001040108.2(MLH3):c.788A>T (p.Lys263Met)

Gene: MLH3 (mutL homolog 3; minus strand). Cytogenetic location: 14q24.3.
Variant type: single nucleotide variant.
Coding change: c.788A>T on transcript NM_001040108.2 (MANE Select); coding-DNA position 788, A replaced by T.
Protein change: p.Lys263Met; replaces lysine 263 with methionine.
Molecular consequence: missense variant.
Genome position (GRCh38, 1-based): chr14:75,048,868, T>A on the plus strand (A>T on the coding strand, the complement: MLH3 is on the minus strand). VCF-style: chr14-75048868-T-A. GRCh37 (hg19) VCF-style: chr14-75515571-T-A.
Other names: c.788A>T, p.Lys263Met (NM_014381.3); short protein forms K263M.
Identifiers: ClinVar variation 3232596 (VCV003232596.1), dbSNP rs2139599317, ClinGen allele CA390449064.